The following is an entry in ClinVar:

ClinVar aggregate classification (germline): Conflicting classifications of pathogenicity. Review status: criteria provided, conflicting classifications (1 of 4 stars). 7 submissions from 7 submitters: Uncertain significance (3); Likely benign (4). Last evaluated 2026-07-24.

Conditions:
DST-related disorder. Also called: DST-related condition; DST-related disorders.
Hereditary sensory and autonomic neuropathy type 6. Also called: Neuropathy, hereditary sensory and autonomic, type VI; HSAN VI. Identifiers: Orphanet 314381, MedGen C3539003, MONDO:0013839, OMIM 614653.
Epidermolysis bullosa simplex 3, localized or generalized intermediate, with BP230 deficiency (EBS3). Also called: Epidermolysis bullosa simplex due to BP230 deficiency; Epidermolysis bullosa simplex, autosomal recessive 2. Identifiers: Orphanet 412181, MedGen C3809470, MONDO:0014180, OMIM 615425.
Inborn genetic diseases. Identifiers: MedGen C0950123, MeSH D030342.

Allele frequency attached by ClinVar (database versions not stated): 1000 Genomes Project 30x 0.00031; ESP Exome Variant Server 0.00062; gnomAD 0.00064 and 0.00068; gnomAD exomes 0.00068; TOPMed 0.00068; ExAC 0.00078.
gnomAD v4.1: 1,950 of 1,613,982 alleles (0.12%); highest among the groups gnomAD compares: Non-Finnish European, 0.16%; 2 homozygotes.

Submissions (7):

GeneDx
Classification: Uncertain significance. Last evaluated: 2026-07-24. Review status: criteria provided, single submitter. Criteria: GeneDx Variant Classification Process June 2021. Collection method: clinical testing. Allele origin: germline.
Comment: In silico analysis supports that this missense variant has a deleterious effect on protein structure/function; Has not been previously published as pathogenic or benign to our knowledge; Reported using the transcript encoding the epithelial isoform of the gene

Women's Health and Genetics/Laboratory Corporation of America, LabCorp
Classification: Likely benign. Last evaluated: 2026-02-16. Review status: criteria provided, single submitter. Criteria: LabCorp Variant Classification Summary - May 2015. Collection method: clinical testing. Allele origin: germline.
Comment: Variant summary: DST c.893G>A (p.Arg298His) results in a non-conservative amino acid change in the encoded protein sequence. Algorithms developed to predict the effect of missense changes on protein structure and function are either unavailable or do not agree on the potential impact of this missense change. The variant allele was found at a frequency of 0.00068 in 250392 control chromosomes, predominantly at a frequency of 0.0013 within the Non-Finnish European subpopulation in the gnomAD database. The observed variant frequency within Non-Finnish European control individuals in the gnomAD database exceeds the estimated maximal expected allele frequency for disease-causing variants in DST. To our knowledge, no occurrence of c.893G>A in individuals affected with DST-related conditions and no experimental evidence demonstrating its impact on protein function have been reported. ClinVar contains an entry for this variant (Variation ID: 357614). Based on the evidence outlined above, the variant was classified as likely benign.

PreventionGenetics, part of Exact Sciences
Classification: Likely benign for DST-related condition. Last evaluated: 2025-11-24. Review status: criteria provided, single submitter. Criteria: ACMG Guidelines, 2015. Collection method: clinical testing. Allele origin: germline.
Comment: This variant is classified as likely benign based on ACMG/AMP sequence variant interpretation guidelines (Richards et al. 2015 PMID: 25741868, with internal and published modifications).

Mayo Clinic Laboratories, Mayo Clinic
Classification: Likely benign. Last evaluated: 2025-08-26. Review status: criteria provided, single submitter. Criteria: ACMG Guidelines, 2015. Collection method: clinical testing. Allele origin: germline. Observed: 5 variant alleles.
Comment: BS1, BP4

CeGaT Center for Human Genetics Tuebingen
Classification: Likely benign. Last evaluated: 2025-03-01. Review status: criteria provided, single submitter. Criteria: CeGaT Center For Human Genetics Tuebingen Variant Classification Criteria Version 2. Collection method: clinical testing. Allele origin: germline. Affected: yes. Observed: 1 variant allele.
Comment: DST: BP4

Labcorp Genetics (formerly Invitae), Labcorp
Classification: Uncertain significance for Epidermolysis bullosa simplex 3, localized or generalized intermediate, with BP230 deficiency; Hereditary sensory and autonomic neuropathy type 6. Last evaluated: 2022-11-03. Review status: criteria provided, single submitter. Criteria: Invitae Variant Classification Sherloc (09022015). Collection method: clinical testing. Allele origin: germline.
Comment: This sequence change replaces arginine, which is basic and polar, with histidine, which is basic and polar, at codon 298 of the DST protein (p.Arg298His). This variant is present in population databases (rs41267671, gnomAD 0.1%), and has an allele count higher than expected for a pathogenic variant. This variant has not been reported in the literature in individuals affected with DST-related conditions. ClinVar contains an entry for this variant (Variation ID: 357614). Algorithms developed to predict the effect of missense changes on protein structure and function output the following: SIFT: "Tolerated"; PolyPhen-2: "Benign"; Align-GVGD: "Class C0". The histidine amino acid residue is found in multiple mammalian species, which suggests that this missense change does not adversely affect protein function. In summary, the available evidence is currently insufficient to determine the role of this variant in disease. Therefore, it has been classified as a Variant of Uncertain Significance.

Ambry Genetics
Classification: Uncertain significance for Inborn genetic diseases. Last evaluated: 2021-09-17. Review status: criteria provided, single submitter. Criteria: Ambry Variant Classification Scheme 2023. Collection method: clinical testing. Allele origin: germline.
Comment: The p.R802H variant (also known as c.2405G>A), located in coding exon 18 of the DST gene, results from a G to A substitution at nucleotide position 2405. The arginine at codon 802 is replaced by histidine, an amino acid with highly similar properties. This amino acid position is not well conserved in available vertebrate species, and histidine is the reference amino acid in other vertebrate species. In addition, this alteration is predicted to be tolerated by in silico analysis. Since supporting evidence is limited at this time, the clinical significance of this alteration remains unclear.

NM_001374736.1(DST):c.2504G>A (p.Arg835His)

Gene: DST (dystonin; minus strand). Cytogenetic location: 6p12.1.
Variant type: single nucleotide variant.
Coding change: c.2504G>A on transcript NM_001374736.1 (MANE Select); coding-DNA position 2504, G replaced by A.
Protein change: p.Arg835His; replaces arginine 835 with histidine.
Molecular consequence: missense variant.
Genome position (GRCh38, 1-based): chr6:56,640,044, C>T on the plus strand (G>A on the coding strand, the complement: DST is on the minus strand). VCF-style: chr6-56640044-C-T. GRCh37 (hg19) VCF-style: chr6-56504842-C-T.
Other names: p.Arg298His; c.2405G>A, p.Arg802His (NM_001144769.5); c.1991G>A, p.Arg664His (NM_001144770.2); c.2504G>A, p.Arg835His (NM_001374722.1); c.1871G>A, p.Arg624His (NM_001374729.1, NM_001374730.1, NM_001386100.1 and 1 more transcripts); c.2531G>A, p.Arg844His (NM_001374734.1); c.893G>A, p.Arg298His (NM_001723.7, NM_015548.5); short protein forms R298H, R664H, R802H, R624H, R835H, R844H.
Identifiers: ClinVar variation 357614 (VCV000357614.26), dbSNP rs41267671, ClinGen allele CA3871402.